The following is an entry in ClinVar:

NM_032634.4(PIGO):c.3259C>T (p.Gln1087Ter)

Gene: PIGO (phosphatidylinositol glycan anchor biosynthesis class O; minus strand). Cytogenetic location: 9p13.3.
Variant type: single nucleotide variant.
Coding change: c.3259C>T on transcript NM_032634.4 (MANE Select); coding-DNA position 3259, C replaced by T.
Protein change: p.Gln1087Ter; replaces glutamine 1087 with a stop codon.
Molecular consequence: nonsense.
Genome position (GRCh38, 1-based): chr9:35,089,103, G>A on the plus strand (C>T on the coding strand, the complement: PIGO is on the minus strand). VCF-style: chr9-35089103-G-A. GRCh37 (hg19) VCF-style: chr9-35089100-G-A.
Other names: c.2008C>T, p.Gln670Ter (NM_001201484.2, NM_152850.4); short protein forms Q670*, Q1087*.
Identifiers: ClinVar variation 805131 (VCV000805131.3), dbSNP rs768738759, ClinGen allele CA5040193.
Genomic context (GRCh38, chr9:35,089,103, plus strand): 5'-CTGTTCTCAAGCACTCTCTGTAGCCAAGTGCCAGTAATCACAGACTAGGCTACCTCTGCT[G>A]GGCCAGAAATAGCTGCCTGAACCAGGAGCTCACAGCACCATCCACTCTCATCACCAAAGC-3'

ClinVar aggregate classification (germline): Uncertain significance. Review status: criteria provided, multiple submitters, no conflicts (2 of 4 stars). 2 submissions from 2 submitters: Uncertain significance (2). Last evaluated 2020-06-15.

Conditions:
Hyperphosphatasia with impaired intellectual development syndrome 2. Also called: Hyperphosphatasia with intellectual disability syndrome 2; GLYCOSYLPHOSPHATIDYLINOSITOL BIOSYNTHESIS DEFECT 6. Identifiers: Orphanet 247262, MedGen C3553637, MONDO:0013882, OMIM 614749.

Allele frequency attached by ClinVar (database versions not stated): ExAC 0.00001; gnomAD exomes 0.00001.
gnomAD v4.1: 7 of 1,614,130 alleles (0.00043%); highest among the groups gnomAD compares: Non-Finnish European, 0.00059%; no homozygotes.

Submissions (2):

Labcorp Genetics (formerly Invitae), Labcorp
Classification: Uncertain significance for Hyperphosphatasia with impaired intellectual development syndrome 2. Last evaluated: 2020-06-15. Review status: criteria provided, single submitter. Criteria: Invitae Variant Classification Sherloc (09022015). Collection method: clinical testing. Allele origin: germline.
Comment: This sequence change results in a premature translational stop signal in the PIGO gene (p.Gln1087*). While this is not anticipated to result in nonsense mediated decay, it is expected to disrupt the last 3 amino acids of the PIGO protein. This variant is present in population databases (rs768738759, ExAC 0.001%). This variant has not been reported in the literature in individuals with PIGO-related conditions. ClinVar contains an entry for this variant (Variation ID: 805131). Experimental studies and prediction algorithms are not available or were not evaluated, and the functional significance of this variant is currently unknown. In summary, the available evidence is currently insufficient to determine the role of this variant in disease. Therefore, it has been classified as a Variant of Uncertain Significance.

Athena Diagnostics
Classification: Uncertain significance. Last evaluated: 2018-10-04. Review status: criteria provided, single submitter. Criteria: Athena Diagnostics Criteria. Collection method: clinical testing. Allele origin: germline.